The following is an entry in ClinVar:

NM_213599.3(ANO5):c.241G>T (p.Asp81Tyr)

Gene: ANO5 (anoctamin 5; plus strand). Cytogenetic location: 11p14.3.
Variant type: single nucleotide variant.
Coding change: c.241G>T on transcript NM_213599.3 (MANE Select); coding-DNA position 241, G replaced by T.
Protein change: p.Asp81Tyr; replaces aspartic acid 81 with tyrosine.
Molecular consequence: missense variant.
Genome position (GRCh38, 1-based): chr11:22,221,157, G>T. VCF-style: chr11-22221157-G-T. GRCh37 (hg19) VCF-style: chr11-22242703-G-T.
Other names: c.238G>T, p.Asp80Tyr (NM_001142649.2); c.199G>T, p.Asp67Tyr (NM_001410963.1); c.196G>T, p.Asp66Tyr (NM_001410964.1); short protein forms D66Y, D67Y, D80Y, D81Y.
Identifiers: ClinVar variation 3752955 (VCV003752955.2).

ClinVar aggregate classification (germline): Likely pathogenic (1 of 4 stars; one submission).

Conditions:
Gnathodiaphyseal dysplasia (GDD). Also called: GNATHODIAPHYSEAL SCLEROSIS; OSTEOGENESIS IMPERFECTA WITH UNUSUAL SKELETAL LESIONS. Identifiers: Orphanet 53697, MedGen C1833736, MONDO:0008151, OMIM 166260.
Autosomal recessive limb-girdle muscular dystrophy type 2L (LGMDR12). Also called: Limb-girdle muscular dystrophy, type 2L; MUSCULAR DYSTROPHY, LIMB-GIRDLE, AUTOSOMAL RECESSIVE 12; Limb-Girdle Muscular Dystrophy R12 Anoctamin-5-Related (LGMD-R12). Identifiers: Orphanet 206549, MedGen C1969785, MONDO:0012652, OMIM 611307.

gnomAD v4.1: 2 of 1,612,014 alleles (0.00012%); highest among the groups gnomAD compares: South Asian, 0.0011%; no homozygotes.

Submission:

Labcorp Genetics (formerly Invitae), Labcorp
Classification: Likely pathogenic for Autosomal recessive limb-girdle muscular dystrophy type 2L; Gnathodiaphyseal dysplasia. Last evaluated: 2024-12-24. Review status: criteria provided, single submitter. Criteria: Invitae Variant Classification Sherloc (09022015). Collection method: clinical testing. Allele origin: germline.
Comment: This sequence change replaces aspartic acid, which is acidic and polar, with tyrosine, which is neutral and polar, at codon 81 of the ANO5 protein (p.Asp81Tyr). This variant is not present in population databases (gnomAD no frequency). This variant has not been reported in the literature in individuals affected with ANO5-related conditions. Invitae Evidence Modeling of protein sequence and biophysical properties (such as structural, functional, and spatial information, amino acid conservation, physicochemical variation, residue mobility, and thermodynamic stability) indicates that this missense variant is expected to disrupt ANO5 protein function with a positive predictive value of 95%. This variant disrupts the p.Asp81 amino acid residue in ANO5. Other variant(s) that disrupt this residue have been determined to be pathogenic (PMID: 22402862, 22980763, 31395899). This suggests that this residue is clinically significant, and that variants that disrupt this residue are likely to be disease-causing. In summary, the currently available evidence indicates that the variant is pathogenic, but additional data are needed to prove that conclusively. Therefore, this variant has been classified as Likely Pathogenic.

Literature cited by the submitters: PubMed 22402862; PubMed 22980763; PubMed 31395899.